The following is an entry in ClinVar:

ClinVar aggregate classification (germline): Conflicting classifications of pathogenicity. Review status: criteria provided, conflicting classifications (1 of 4 stars). 2 submissions from 2 submitters: Uncertain significance (1); Likely benign (1). Last evaluated 2022-03-28.

Conditions:
Inborn genetic diseases. Identifiers: MedGen C0950123, MeSH D030342.

Submissions (2):

Ambry Genetics
Classification: Likely benign for Inborn genetic diseases. Last evaluated: 2022-03-28. Review status: criteria provided, single submitter. Criteria: Ambry Variant Classification Scheme 2023. Collection method: clinical testing. Allele origin: germline.

Labcorp Genetics (formerly Invitae), Labcorp
Classification: Uncertain significance. Last evaluated: 2022-02-10. Review status: criteria provided, single submitter. Criteria: Invitae Variant Classification Sherloc (09022015). Collection method: clinical testing. Allele origin: germline.
Comment: In summary, the available evidence is currently insufficient to determine the role of this variant in disease. Therefore, it has been classified as a Variant of Uncertain Significance. Experimental studies and prediction algorithms are not available or were not evaluated, and the functional significance of this variant is currently unknown. This variant has not been reported in the literature in individuals affected with ZSWIM6-related conditions. The frequency data for this variant in the population databases is considered unreliable, as metrics indicate poor data quality at this position in the gnomAD database. This variant, c.166_168del, results in the deletion of 1 amino acid(s) of the ZSWIM6 protein (p.Ala56del), but otherwise preserves the integrity of the reading frame.

NM_020928.2(ZSWIM6):c.151GCG[5] (p.Ala56del)

Gene: ZSWIM6 (zinc finger SWIM-type containing 6; plus strand). Cytogenetic location: 5q12.1.
Variant type: Microsatellite.
Coding change: c.151GCG[5] on transcript NM_020928.2 (MANE Select); five copies in a row of the 3-base unit GCG starting at c.151; the reference has six copies in a row; one copy, 3 bases deleted.
Protein change: p.Ala56del; deletes alanine 56.
Molecular consequence: inframe deletion.
Genome position (GRCh38, 1-based): chr5:61,332,438-61,332,440, GCG deleted; deleting any 3 consecutive bases within chr5:61,332,423-61,332,440 gives the same sequence; the position shown is the placement nearest the transcript's 3' end. VCF-style (leftmost placement, unchanged base first): chr5-61332422-CGCG-C. GRCh37 (hg19) VCF-style: chr5-60628249-CGCG-C.
Other names: c.166_168delGCG (NM_020928.1); short protein forms A56del.
Identifiers: ClinVar variation 1513345 (VCV001513345.9), dbSNP rs779283808, ClinGen allele CA444673760.